The following is an entry in ClinVar:

ClinVar aggregate classification (germline): Uncertain significance (1 of 4 stars; one submission).

Allele frequency attached by ClinVar (database versions not stated): TOPMed 0.00001; ExAC 0.00004.
gnomAD v4.1: 32 of 1,613,324 alleles (0.002%); highest among the groups gnomAD compares: South Asian, 0.019%; no homozygotes.

Submission:

Labcorp Genetics (formerly Invitae), Labcorp
Classification: Uncertain significance. Last evaluated: 2022-05-21. Review status: criteria provided, single submitter. Criteria: Invitae Variant Classification Sherloc (09022015). Collection method: clinical testing. Allele origin: germline.
Comment: This variant has not been reported in the literature in individuals affected with ASPM-related conditions. Variants that disrupt the consensus splice site are a relatively common cause of aberrant splicing (PMID: 17576681, 9536098). Algorithms developed to predict the effect of sequence changes on RNA splicing suggest that this variant is not likely to affect RNA splicing. In summary, the available evidence is currently insufficient to determine the role of this variant in disease. Therefore, it has been classified as a Variant of Uncertain Significance. This sequence change falls in intron 3 of the ASPM gene. It does not directly change the encoded amino acid sequence of the ASPM protein. It affects a nucleotide within the consensus splice site. This variant is present in population databases (rs760726929, gnomAD 0.01%).

Literature cited by the submitters: PubMed 17576681; PubMed 9536098.

NM_018136.5(ASPM):c.1921+3G>A

Gene: ASPM (assembly factor for spindle microtubules; minus strand). Cytogenetic location: 1q31.3.
Variant type: single nucleotide variant.
Coding change: c.1921+3G>A on transcript NM_018136.5 (MANE Select); 3 bases into the intron after coding-DNA position 1921, G replaced by A.
Molecular consequence: intron variant.
Genome position (GRCh38, 1-based): chr1:197,142,328, C>T on the plus strand (G>A on the coding strand, the complement: ASPM is on the minus strand). VCF-style: chr1-197142328-C-T. GRCh37 (hg19) VCF-style: chr1-197111458-C-T.
Other names: c.1921+3G>A (NM_001206846.2).
Identifiers: ClinVar variation 1926908 (VCV001926908.3), dbSNP rs760726929, ClinGen allele CA1310627.